The following is an entry in ClinVar:

ClinVar aggregate classification (germline): Likely benign (0 of 4 stars; one submission).

Conditions:
BDNF-related disorder. Also called: BDNF-related condition.

gnomAD v4.1: 4 of 1,613,874 alleles (0.00025%); highest among the groups gnomAD compares: Middle Eastern, 0.016%; no homozygotes.

Submission:

PreventionGenetics, part of Exact Sciences
Classification: Likely benign for BDNF-related condition. Last evaluated: 2023-09-12. Review status: no assertion criteria provided. Collection method: clinical testing. Allele origin: germline.
Comment: This variant is classified as likely benign based on ACMG/AMP sequence variant interpretation guidelines (Richards et al. 2015 PMID: 25741868, with internal and published modifications).

NM_001709.5(BDNF):c.534G>A (p.Lys178=)

Genes: BDNF (brain derived neurotrophic factor; minus strand), BDNF-AS (BDNF antisense RNA; plus strand). Cytogenetic location: 11p14.1.
Variant type: single nucleotide variant.
Coding change: c.534G>A on transcript NM_001709.5 (MANE Select); coding-DNA position 534, G replaced by A.
Protein change: p.Lys178=; no amino-acid change (lysine 178 retained).
Molecular consequence: synonymous variant.
Genome position (GRCh38, 1-based): chr11:27,658,031, C>T on the plus strand (G>A on the coding strand, the complement: BDNF is on the minus strand). VCF-style: chr11-27658031-C-T. GRCh37 (hg19) VCF-style: chr11-27679578-C-T.
Other names: c.534G>A, p.Lys178= (NM_001143805.1, NM_001143806.1, NM_001143807.2 and 9 more transcripts); c.621G>A, p.Lys207= (NM_001143809.2); c.780G>A, p.Lys260= (NM_001143810.2); c.558G>A, p.Lys186= (NM_170731.5); c.579G>A, p.Lys193= (NM_170734.4).
Identifiers: ClinVar variation 3353499 (VCV003353499.1).
Genomic context (GRCh38, chr11:27,658,031, plus strand): 5'-GCCCCTGCAGCCTTCTTTTGTGTAACCCATGGGATTGCACTTGGTCTCGTAGAAGTATTG[C>T]TTCAGTTGGCCTTTTGATACAGGGACCTTTTCAAGGACTGTGACCGTCCCGCCCGACATG-3'
Protein context (NP_001700.2, residues 168-188): EKVPVSKGQL[Lys178=]QYFYETKCNP